The following is an entry in ClinVar:

ClinVar aggregate classification (germline): Uncertain significance (1 of 4 stars; one submission).

gnomAD v4.1: 1 of 1,614,222 alleles (0.000062%); highest among the groups gnomAD compares: Non-Finnish European, 0.000085%; no homozygotes.

Submission:

Labcorp Genetics (formerly Invitae), Labcorp
Classification: Uncertain significance. Last evaluated: 2024-11-25. Review status: criteria provided, single submitter. Criteria: Invitae Variant Classification Sherloc (09022015). Collection method: clinical testing. Allele origin: germline.
Comment: This sequence change replaces leucine, which is neutral and non-polar, with isoleucine, which is neutral and non-polar, at codon 810 of the IMPG2 protein (p.Leu810Ile). This variant is not present in population databases (gnomAD no frequency). This variant has not been reported in the literature in individuals affected with IMPG2-related conditions. Invitae Evidence Modeling of protein sequence and biophysical properties (such as structural, functional, and spatial information, amino acid conservation, physicochemical variation, residue mobility, and thermodynamic stability) indicates that this missense variant is not expected to disrupt IMPG2 protein function with a negative predictive value of 80%. In summary, the available evidence is currently insufficient to determine the role of this variant in disease. Therefore, it has been classified as a Variant of Uncertain Significance.

NM_016247.4(IMPG2):c.2428T>A (p.Leu810Ile)

Gene: IMPG2 (interphotoreceptor matrix proteoglycan 2; minus strand). Cytogenetic location: 3q12.3.
Variant type: single nucleotide variant.
Coding change: c.2428T>A on transcript NM_016247.4 (MANE Select); coding-DNA position 2428, T replaced by A.
Protein change: p.Leu810Ile; replaces leucine 810 with isoleucine.
Molecular consequence: missense variant.
Genome position (GRCh38, 1-based): chr3:101,243,903, A>T on the plus strand (T>A on the coding strand, the complement: IMPG2 is on the minus strand). VCF-style: chr3-101243903-A-T. GRCh37 (hg19) VCF-style: chr3-100962747-A-T.
Other names: short protein forms L810I.
Identifiers: ClinVar variation 3700546 (VCV003700546.2).